The following is an entry in ClinVar:

ClinVar aggregate classification (germline): Uncertain significance (1 of 4 stars; one submission).

Submission:

GeneDx
Classification: Uncertain significance. Last evaluated: 2024-07-06. Review status: criteria provided, single submitter. Criteria: GeneDx Variant Classification Process June 2021. Collection method: clinical testing. Allele origin: germline. Affected: yes.
Comment: Not observed at significant frequency in large population cohorts (gnomAD); Has not been previously published as pathogenic or benign to our knowledge; Frameshift variant predicted to result in protein truncation or nonsense mediated decay in a gene for which loss-of-function is not a known mechanism of disease

NM_022168.4(IFIH1):c.2135delinsGG (p.Tyr712fs)

Gene: IFIH1 (interferon induced with helicase C domain 1; minus strand). Cytogenetic location: 2q24.2.
Variant type: Indel.
Coding change: c.2135delinsGG on transcript NM_022168.4 (MANE Select); coding-DNA position 2135, A replaced by GG.
Protein change: p.Tyr712fs; shifts the reading frame from tyrosine 712.
Molecular consequence: frameshift variant.
Genome position (GRCh38, 1-based): chr2:162,276,856, T replaced by CC on the plus strand (A replaced by GG on the coding strand, the reverse complement: IFIH1 is on the minus strand). VCF-style: chr2-162276856-T-CC. GRCh37 (hg19) VCF-style: chr2-163133366-T-CC.
Other names: short protein forms Y712fs.
Identifiers: ClinVar variation 3393813 (VCV003393813.1).
Genomic context (GRCh38, chr2:162,276,856, plus strand): 5'-TATGCACTCTGTCGTGTTTTTGTAAAGATTATTCCTCGTGCTGATTCCTCAGTCCTAGTA[T>CC]ATTGCTCCATTATGGTATTTCTTAATTTGGTCAGCTTTTCATTTTCATATTCTGGGTTTT-3'